The following is an entry in ClinVar:

NC_000002.12:g.121530942A>T

Genes: CLASP1 (cytoplasmic linker associated protein 1; minus strand), CLASP1-AS1 (CLASP1 antisense RNA 1; plus strand), RNU4ATAC (RNA, U4atac small nuclear; plus strand). Cytogenetic location: 2q14.2.
Variant type: single nucleotide variant.
Molecular consequence: intron variant (on NM_001395891.1).
Genome position: GRCh38 VCF-style: chr2-121530942-A-T. GRCh37 (hg19) VCF-style: chr2-122288518-A-T.
Other names: c.196-617T>A (NM_001142274.2, NM_015282.3, NM_001378003.1 and 5 more transcripts).
Identifiers: ClinVar variation 2098732 (VCV002098732.1), dbSNP rs978736477, ClinGen allele CA428888006.

ClinVar aggregate classification (germline): Uncertain significance (1 of 4 stars; one submission).

gnomAD v4.1: 1 of 700,420 alleles (0.00014%); highest among the groups gnomAD compares: South Asian, 0.0015%; no homozygotes.

Submission:

Labcorp Genetics (formerly Invitae), Labcorp
Classification: Uncertain significance. Last evaluated: 2022-02-18. Review status: criteria provided, single submitter. Criteria: Invitae Variant Classification Sherloc (09022015). Collection method: clinical testing. Allele origin: germline.
Comment: This variant occurs in the RNU4ATAC gene, which encodes an RNA molecule that does not result in a protein product. This variant is not present in population databases (gnomAD no frequency). This variant has not been reported in the literature in individuals affected with RNU4ATAC-related conditions. Experimental studies and prediction algorithms are not available or were not evaluated, and the functional significance of this variant is currently unknown. In summary, the available evidence is currently insufficient to determine the role of this variant in disease. Therefore, it has been classified as a Variant of Uncertain Significance.